The following is an entry in ClinVar:

NM_006231.4(POLE):c.4633C>T (p.Leu1545Phe)

Gene: POLE (DNA polymerase epsilon, catalytic subunit; minus strand). Cytogenetic location: 12q24.33.
Variant type: single nucleotide variant.
Coding change: c.4633C>T on transcript NM_006231.4 (MANE Select); coding-DNA position 4633, C replaced by T.
Protein change: p.Leu1545Phe; replaces leucine 1545 with phenylalanine.
Molecular consequence: missense variant.
Genome position (GRCh38, 1-based): chr12:132,642,915, G>A on the plus strand (C>T on the coding strand, the complement: POLE is on the minus strand). VCF-style: chr12-132642915-G-A. GRCh37 (hg19) VCF-style: chr12-133219501-G-A.
Other names: short protein forms L1545F.
Identifiers: ClinVar variation 1742054 (VCV001742054.4), dbSNP rs2138541202, ClinGen allele CA387379083.

ClinVar aggregate classification (germline): Uncertain significance. Review status: criteria provided, multiple submitters, no conflicts (2 of 4 stars). 2 submissions from 2 submitters: Uncertain significance (2). Last evaluated 2024-07-19.

Conditions:
Hereditary cancer-predisposing syndrome. Also called: Hereditary Cancer Syndrome; Hereditary neoplastic syndrome; Neoplastic Syndromes, Hereditary; Tumor predisposition. Identifiers: Orphanet 140162, MedGen C0027672, MeSH D009386, MONDO:0015356.

Submissions (2):

Labcorp Genetics (formerly Invitae), Labcorp
Classification: Uncertain significance. Last evaluated: 2024-07-19. Review status: criteria provided, single submitter. Criteria: Invitae Variant Classification Sherloc (09022015). Collection method: clinical testing. Allele origin: germline.
Comment: This sequence change replaces leucine, which is neutral and non-polar, with phenylalanine, which is neutral and non-polar, at codon 1545 of the POLE protein (p.Leu1545Phe). This variant is not present in population databases (gnomAD no frequency). This variant has not been reported in the literature in individuals affected with POLE-related conditions. ClinVar contains an entry for this variant (Variation ID: 1742054). Advanced modeling of protein sequence and biophysical properties (such as structural, functional, and spatial information, amino acid conservation, physicochemical variation, residue mobility, and thermodynamic stability) performed at Invitae indicates that this missense variant is not expected to disrupt POLE protein function with a negative predictive value of 80%. In summary, the available evidence is currently insufficient to determine the role of this variant in disease. Therefore, it has been classified as a Variant of Uncertain Significance.

Ambry Genetics
Classification: Uncertain significance for Hereditary cancer-predisposing syndrome. Last evaluated: 2022-09-08. Review status: criteria provided, single submitter. Criteria: Ambry Variant Classification Scheme 2023. Collection method: clinical testing. Allele origin: germline.
Comment: The p.L1545F variant (also known as c.4633C>T), located in coding exon 36 of the POLE gene, results from a C to T substitution at nucleotide position 4633. The leucine at codon 1545 is replaced by phenylalanine, an amino acid with highly similar properties. This amino acid position is conserved. In addition, this alteration is predicted to be tolerated by in silico analysis. Since supporting evidence is limited at this time, the clinical significance of this alteration remains unclear.